The following is an entry in ClinVar:

NM_001369268.1(ACAN):c.1299G>C (p.Glu433Asp)

Gene: ACAN (aggrecan; plus strand). Cytogenetic location: 15q26.1.
Variant type: single nucleotide variant.
Coding change: c.1299G>C on transcript NM_001369268.1 (MANE Select); coding-DNA position 1299, G replaced by C.
Protein change: p.Glu433Asp; replaces glutamic acid 433 with aspartic acid.
Molecular consequence: missense variant.
Genome position (GRCh38, 1-based): chr15:88,845,752, G>C. VCF-style: chr15-88845752-G-C. GRCh37 (hg19) VCF-style: chr15-89388983-G-C.
Other names: c.1299G>C, p.Glu433Asp (NM_001135.4, NM_013227.4); c.1299G>C (NM_013227.3); short protein forms E433D.
Identifiers: ClinVar variation 1381049 (VCV001381049.8), dbSNP rs372157525, ClinGen allele CA7719519.

ClinVar aggregate classification (germline): Uncertain significance. Review status: criteria provided, multiple submitters, no conflicts (2 of 4 stars). 2 submissions from 2 submitters: Uncertain significance (2). Last evaluated 2025-12-24.

Conditions:
Inborn genetic diseases. Identifiers: MedGen C0950123, MeSH D030342.

Allele frequency attached by ClinVar (database versions not stated): gnomAD exomes 0.00001 and 0.00002; ExAC 0.00003; gnomAD 0.00004 and 0.00006; TOPMed 0.00007.
gnomAD v4.1: 42 of 1,612,742 alleles (0.0026%); highest among the groups gnomAD compares: East Asian, 0.033%; 1 homozygote.

Submissions (2):

Labcorp Genetics (formerly Invitae), Labcorp
Classification: Uncertain significance. Last evaluated: 2025-12-24. Review status: criteria provided, single submitter. Criteria: Invitae Variant Classification Sherloc (09022015). Collection method: clinical testing. Allele origin: germline.
Comment: This sequence change replaces glutamic acid, which is acidic and polar, with aspartic acid, which is acidic and polar, at codon 433 of the ACAN protein (p.Glu433Asp). This variant is present in population databases (rs372157525, gnomAD 0.04%). This variant has not been reported in the literature in individuals affected with ACAN-related conditions. ClinVar contains an entry for this variant (Variation ID: 1381049). Invitae Evidence Modeling of protein sequence and biophysical properties (such as structural, functional, and spatial information, amino acid conservation, physicochemical variation, residue mobility, and thermodynamic stability) indicates that this missense variant is not expected to disrupt ACAN protein function with a negative predictive value of 80%. In summary, the available evidence is currently insufficient to determine the role of this variant in disease. Therefore, it has been classified as a Variant of Uncertain Significance.

Ambry Genetics
Classification: Uncertain significance for Inborn genetic diseases. Last evaluated: 2024-05-07. Review status: criteria provided, single submitter. Criteria: Ambry Variant Classification Scheme 2023. Collection method: clinical testing. Allele origin: germline.